The following is an entry in ClinVar:

NM_002292.4(LAMB2):c.951T>A (p.Arg317=)

Gene: LAMB2 (laminin subunit beta 2; minus strand). Cytogenetic location: 3p21.31.
Variant type: single nucleotide variant.
Coding change: c.951T>A on transcript NM_002292.4 (MANE Select); coding-DNA position 951, T replaced by A.
Protein change: p.Arg317=; no amino-acid change (arginine 317 retained).
Molecular consequence: synonymous variant.
Genome position (GRCh38, 1-based): chr3:49,130,825, A>T on the plus strand (T>A on the coding strand, the complement: LAMB2 is on the minus strand). VCF-style: chr3-49130825-A-T. GRCh37 (hg19) VCF-style: chr3-49168258-A-T.
Identifiers: ClinVar variation 772833 (VCV000772833.11), dbSNP rs755050242, ClinGen allele CA2394741.

ClinVar aggregate classification (germline): Likely benign. Review status: criteria provided, multiple submitters, no conflicts (2 of 4 stars). 3 submissions from 3 submitters: Likely benign (3). Last evaluated 2026-07-01.

Conditions:
LAMB2-related infantile-onset nephrotic syndrome. Also called: Nephrotic Syndrome, type 5; NEPHROTIC SYNDROME, TYPE 5, WITHOUT OCULAR ABNORMALITIES; NEPHROTIC SYNDROME, TYPE 5, WITH OCULAR ABNORMALITIES. Identifiers: Orphanet 306507, MedGen C3280113, MONDO:0013621, OMIM 614199.
Pierson syndrome. Also called: MICROCORIA-CONGENITAL NEPHROTIC SYNDROME. Identifiers: Orphanet 2670, MedGen C1836876, MONDO:0012184, OMIM 609049.

Allele frequency attached by ClinVar (database versions not stated): gnomAD exomes below 0.00001 and 0.00001; ExAC 0.00001; gnomAD 0.00001; TOPMed 0.00005.
gnomAD v4.1: 6 of 1,614,028 alleles (0.00037%); highest among the groups gnomAD compares: East Asian, 0.0089%; no homozygotes.

Submissions (3):

CeGaT Center for Human Genetics Tuebingen
Classification: Likely benign. Last evaluated: 2026-07-01. Review status: criteria provided, single submitter. Criteria: CeGaT Center For Human Genetics Tuebingen Variant Classification Criteria Version 2. Collection method: clinical testing. Allele origin: germline. Affected: yes. Observed: 1 variant allele.
Comment: LAMB2: BP4, BP7

Labcorp Genetics (formerly Invitae), Labcorp
Classification: Likely benign for LAMB2-related infantile-onset nephrotic syndrome; Pierson syndrome. Last evaluated: 2025-04-07. Review status: criteria provided, single submitter. Criteria: Invitae Variant Classification Sherloc (09022015). Collection method: clinical testing. Allele origin: germline.

Fulgent Genetics
Classification: Likely benign for Pierson syndrome; LAMB2-related infantile-onset nephrotic syndrome. Last evaluated: 2021-12-22. Review status: criteria provided, single submitter. Criteria: ACMG Guidelines, 2015. Collection method: clinical testing. Allele origin: unknown.